The following is an entry in ClinVar:

NM_001098.3(ACO2):c.5C>T (p.Ala2Val)

Gene: ACO2 (aconitase 2; plus strand). Cytogenetic location: 22q13.2.
Variant type: single nucleotide variant.
Coding change: c.5C>T on transcript NM_001098.3 (MANE Select); coding-DNA position 5, C replaced by T.
Protein change: p.Ala2Val; replaces alanine 2 with valine.
Molecular consequence: missense variant.
Genome position (GRCh38, 1-based): chr22:41,469,151, C>T. VCF-style: chr22-41469151-C-T. GRCh37 (hg19) VCF-style: chr22-41865155-C-T.
Other names: short protein forms A2V.
Identifiers: ClinVar variation 1489215 (VCV001489215.6), dbSNP rs1427792404, ClinGen allele CA411705551.

ClinVar aggregate classification (germline): Uncertain significance (1 of 4 stars; one submission).

Allele frequency attached by ClinVar (database versions not stated): gnomAD exomes 0.00001; gnomAD 0.00001; TOPMed 0.00001.
gnomAD v4.1: 19 of 1,608,630 alleles (0.0012%); highest among the groups gnomAD compares: Non-Finnish European, 0.0015%; no homozygotes.

Submission:

Labcorp Genetics (formerly Invitae), Labcorp
Classification: Uncertain significance. Last evaluated: 2022-09-15. Review status: criteria provided, single submitter. Criteria: Invitae Variant Classification Sherloc (09022015). Collection method: clinical testing. Allele origin: germline.
Comment: This sequence change replaces alanine, which is neutral and non-polar, with valine, which is neutral and non-polar, at codon 2 of the ACO2 protein (p.Ala2Val). The frequency data for this variant in the population databases is considered unreliable, as metrics indicate poor data quality at this position in the gnomAD database. This variant has not been reported in the literature in individuals affected with ACO2-related conditions. ClinVar contains an entry for this variant (Variation ID: 1489215). Advanced modeling of protein sequence and biophysical properties (such as structural, functional, and spatial information, amino acid conservation, physicochemical variation, residue mobility, and thermodynamic stability) performed at Invitae indicates that this missense variant is expected to disrupt ACO2 protein function. Algorithms developed to predict the effect of sequence changes on RNA splicing suggest that this variant may create or strengthen a splice site. In summary, the available evidence is currently insufficient to determine the role of this variant in disease. Therefore, it has been classified as a Variant of Uncertain Significance.